The following is an entry in ClinVar:

NM_001148.6(ANK2):c.4919T>C (p.Leu1640Pro)

Gene: ANK2 (ankyrin 2; plus strand). Cytogenetic location: 4q26.
Variant type: single nucleotide variant.
Coding change: c.4919T>C on transcript NM_001148.6 (MANE Select); coding-DNA position 4919, T replaced by C.
Protein change: p.Leu1640Pro; replaces leucine 1640 with proline.
Molecular consequence: missense variant. On other transcripts: intron variant (68).
Genome position (GRCh38, 1-based): chr4:113,353,537, T>C. VCF-style: chr4-113353537-T-C. GRCh37 (hg19) VCF-style: chr4-114274693-T-C.
Other names: c.4685T>C, p.Leu1562Pro (NM_001386142.1); c.1319T>C, p.Leu440Pro (NM_001386166.1); c.5060T>C, p.Leu1687Pro (NM_001386174.1); c.5036T>C, p.Leu1679Pro (NM_001386175.1); c.4411+3288T>C (NM_001386186.2, NM_001386148.2); c.4213+3288T>C (NM_001354269.3); c.4291+3288T>C (NM_001386187.2); c.4252+3288T>C (NM_001386147.1); and 35 more; short protein forms L1562P, L440P, L1640P, L1687P, L1679P.
Identifiers: ClinVar variation 2731761 (VCV002731761.5), dbSNP rs756877855, ClinGen allele CA3051153.
Genomic context (GRCh38, chr4:113,353,537, plus strand): 5'-GAATAGATAAAGAGATCAAAGGAAAAGTAGAGAAAGACTCAACTGGGCTAGTGAACTACC[T>C]TACTGATGATCTGAATACCTGTGTGCCTCTTCCCAAAGAGCAGCTGCAGACAGTTCAAGA-3'
Protein context (NP_001139.3, residues 1630-1650): EKDSTGLVNY[Leu1640Pro]TDDLNTCVPL

ClinVar aggregate classification (germline): Uncertain significance. Review status: criteria provided, multiple submitters, no conflicts (2 of 4 stars). 3 submissions from 3 submitters: Uncertain significance (3). Last evaluated 2026-01-04.

Conditions:
Cardiovascular phenotype. Identifiers: MedGen CN230736.
Long QT syndrome (LQTS). Identifiers: MedGen C0023976, MeSH D008133, MONDO:0002442. Disease mechanism: loss of function. Inheritance: Various modes of inheritance.

Allele frequency attached by ClinVar (database versions not stated): ExAC 0.00001; gnomAD 0.00001; gnomAD exomes 0.00001; TOPMed 0.00001.
gnomAD v4.1: 4 of 1,613,932 alleles (0.00025%); highest among the groups gnomAD compares: African/African-American, 0.0053%; no homozygotes.

Submissions (3):

Labcorp Genetics (formerly Invitae), Labcorp
Classification: Uncertain significance for Long QT syndrome. Last evaluated: 2026-01-04. Review status: criteria provided, single submitter. Criteria: Invitae Variant Classification Sherloc (09022015). Collection method: clinical testing. Allele origin: germline.
Comment: This sequence change replaces leucine, which is neutral and non-polar, with proline, which is neutral and non-polar, at codon 1640 of the ANK2 protein (p.Leu1640Pro). This variant is present in population databases (rs756877855, gnomAD 0.007%). This variant has not been reported in the literature in individuals affected with ANK2-related conditions. ClinVar contains an entry for this variant (Variation ID: 2731761). An algorithm developed to predict the effect of missense changes on protein structure and function outputs the following: PolyPhen-2: "Probably Damaging". The proline amino acid residue is found in multiple mammalian species, which suggests that this missense change does not adversely affect protein function. In summary, the available evidence is currently insufficient to determine the role of this variant in disease. Therefore, it has been classified as a Variant of Uncertain Significance.

Ambry Genetics
Classification: Uncertain significance for Cardiovascular phenotype. Last evaluated: 2025-12-19. Review status: criteria provided, single submitter. Criteria: Ambry Variant Classification Scheme 2023. Collection method: clinical testing. Allele origin: germline.
Comment: The p.L1640P variant (also known as c.4919T>C), located in coding exon 38 of the ANK2 gene, results from a T to C substitution at nucleotide position 4919. The leucine at codon 1640 is replaced by proline, an amino acid with similar properties. This amino acid position is conserved. In addition, the in silico prediction for this alteration is inconclusive. Based on the available evidence, the clinical significance of this variant remains unclear.

GeneDx
Classification: Uncertain significance. Last evaluated: 2025-04-02. Review status: criteria provided, single submitter. Criteria: GeneDx Variant Classification Process June 2021. Collection method: clinical testing. Allele origin: germline. Affected: yes.
Comment: Not observed at significant frequency in large population cohorts (gnomAD); In silico analysis supports that this missense variant has a deleterious effect on protein structure/function; Has not been previously published as pathogenic or benign to our knowledge